The following is an entry in ClinVar:

NM_052947.4(ALPK2):c.3226G>T (p.Ala1076Ser)

Gene: ALPK2 (alpha kinase 2; minus strand). Cytogenetic location: 18q21.31.
Variant type: single nucleotide variant.
Coding change: c.3226G>T on transcript NM_052947.4 (MANE Select); coding-DNA position 3226, G replaced by T.
Protein change: p.Ala1076Ser; replaces alanine 1076 with serine.
Molecular consequence: missense variant.
Genome position (GRCh38, 1-based): chr18:58,536,961, C>A on the plus strand (G>T on the coding strand, the complement: ALPK2 is on the minus strand). VCF-style: chr18-58536961-C-A. GRCh37 (hg19) VCF-style: chr18-56204193-C-A.
Other names: short protein forms A1076S.
Identifiers: ClinVar variation 1729134 (VCV001729134.2), dbSNP rs1258142707, ClinGen allele CA402568833.

ClinVar aggregate classification (germline): Uncertain significance (1 of 4 stars; one submission).

Submission:

Ambry Genetics
Classification: Uncertain significance. Last evaluated: 2021-07-08. Review status: criteria provided, single submitter. Criteria: Ambry Variant Classification Scheme 2023. Collection method: clinical testing. Allele origin: germline.
Comment: The p.A1076S variant (also known as c.3226G>T), located in coding exon 4 of the ALPK2 gene, results from a G to T substitution at nucleotide position 3226. The alanine at codon 1076 is replaced by serine, an amino acid with similar properties. This amino acid position is conserved. In addition, this alteration is predicted to be tolerated by in silico analysis. Since supporting evidence is limited at this time, the clinical significance of this alteration remains unclear.